The following is an entry in ClinVar:

ClinVar aggregate classification (germline): Likely benign (1 of 4 stars; one submission).

Allele frequency attached by ClinVar (database versions not stated): ExAC 0.00004.

Submissions (2):

GeneDx
Classification: Likely benign. Last evaluated: 2018-05-01. Review status: criteria provided, single submitter. Criteria: GeneDx Variant Classification (06012015). Collection method: clinical testing. Allele origin: germline. Affected: yes.
Comment: This variant is considered likely benign or benign based on one or more of the following criteria: it is a conservative change, it occurs at a poorly conserved position in the protein, it is predicted to be benign by multiple in silico algorithms, and/or has population frequency not consistent with disease.

Dr. Peter K. Rogan Lab, Western University
No classification provided (evidence only). Condition: Thymoma. Review status: no classification provided. Collection method: in vitro. Allele origin: not applicable. Functional consequence: retained intron. Not counted in ClinVar's aggregate classification.

NM_013254.4(TBK1):c.1960-3C>T

Gene: TBK1 (TANK binding kinase 1; plus strand). Cytogenetic location: 12q14.2.
Variant type: single nucleotide variant.
Coding change: c.1960-3C>T on transcript NM_013254.4 (MANE Select); 3 bases into the intron before coding-DNA position 1960, C replaced by T.
Molecular consequence: intron variant.
Genome position (GRCh38, 1-based): chr12:64,497,645, C>T. VCF-style: chr12-64497645-C-T. GRCh37 (hg19) VCF-style: chr12-64891425-C-T.
Other names: NC_000012.11:g.64891425C>T.
Identifiers: ClinVar variation 677286 (VCV000677286.2), dbSNP rs776585949, ClinGen allele CA6669237.